The following is an entry in ClinVar:

ClinVar aggregate classification (germline): Uncertain significance (1 of 4 stars; one submission).

Conditions:
Cardiovascular phenotype. Identifiers: MedGen CN230736.
Hereditary cancer-predisposing syndrome. Also called: Neoplastic Syndromes, Hereditary; Tumor predisposition; Hereditary neoplastic syndrome; Hereditary Cancer Syndrome. Identifiers: Orphanet 140162, MedGen C0027672, MeSH D009386, MONDO:0015356.

Submission:

Ambry Genetics
Classification: Uncertain significance for Cardiovascular phenotype; Hereditary cancer-predisposing syndrome. Last evaluated: 2026-09-14. Review status: criteria provided, single submitter. Criteria: Ambry Variant Classification Scheme 2023. Collection method: clinical testing. Allele origin: germline.
Comment: The p.K1560R variant (also known as c.4679A>G), located in coding exon 35 of the NF1 gene, results from an A to G substitution at nucleotide position 4679. The lysine at codon 1560 is replaced by arginine, an amino acid with highly similar properties. This amino acid position is highly conserved in available vertebrate species. In addition, this alteration is predicted to be tolerated by in silico analysis. Based on the available evidence, the clinical significance of this variant remains unclear.

NM_001042492.3(NF1):c.4742A>G (p.Lys1581Arg)

Gene: NF1 (neurofibromin 1; plus strand). Cytogenetic location: 17q11.2.
Variant type: single nucleotide variant.
Coding change: c.4742A>G on transcript NM_001042492.3 (MANE Select); coding-DNA position 4742, A replaced by G.
Protein change: p.Lys1581Arg; replaces lysine 1581 with arginine.
Molecular consequence: missense variant.
Genome position (GRCh38, 1-based): chr17:31,265,246, A>G. VCF-style: chr17-31265246-A-G. GRCh37 (hg19) VCF-style: chr17-29592264-A-G.
Other names: c.4679A>G, p.Lys1560Arg (NM_000267.4); short protein forms K1581R, K1560R.
Identifiers: ClinVar variation 5025645 (VCV005025645.1).